The following is an entry in ClinVar:

NM_005522.5(HOXA1):c.192CCA[10] (p.His71_His72dup)

Gene: HOXA1 (homeobox A1; minus strand). Cytogenetic location: 7p15.2.
Variant type: Microsatellite.
Coding change: c.192CCA[10] on transcript NM_005522.5 (MANE Select); ten copies in a row of the 3-base unit CCA starting at c.192; the reference has eight copies in a row; two copies, 6 bases duplicated.
Protein change: p.His71_His72dup.
Molecular consequence: inframe insertion.
Genome position (GRCh38, 1-based): chr7:27,095,698-27,095,703, TGGTGG duplicated on the plus strand (CCACCA on the coding strand, the reverse complement: HOXA1 is on the minus strand); duplicating any 6 consecutive bases within chr7:27,095,698-27,095,721 gives the same sequence; the position shown is the placement nearest the transcript's 3' end. VCF-style (leftmost placement, unchanged base first): chr7-27095697-A-ATGGTGG. GRCh37 (hg19) VCF-style: chr7-27135316-A-ATGGTGG.
Other names: c.192CCA[10], p.His71_His72dup (NM_153620.3); c.210_215dup6 (NM_005522.4).
Identifiers: ClinVar variation 588681 (VCV000588681.8), dbSNP rs747464910, ClinGen allele CA4195999.

ClinVar aggregate classification (germline): Likely benign. Review status: criteria provided, multiple submitters, no conflicts (2 of 4 stars). 3 submissions from 3 submitters: Likely benign (2). 1 of the submissions does not count toward it. Last evaluated 2024-11-14.

Conditions:
HOXA1-related syndrome. Also called: HOXA1-related disorder; Human HOXA1 syndromes; HOXA1-Related Disorders; HOXA1-related condition. Identifiers: MedGen CN381531, MONDO:0011099.
Inborn genetic diseases. Identifiers: MedGen C0950123, MeSH D030342.

Submissions (3):

Blueprint Genetics
Classification: Likely benign. Last evaluated: 2024-11-14. Review status: criteria provided, single submitter. Criteria: ACMG Guidelines, 2015. Collection method: clinical testing. Allele origin: germline.

Ambry Genetics
Classification: Likely benign for Inborn genetic diseases. Last evaluated: 2018-03-21. Review status: criteria provided, single submitter. Criteria: Ambry Variant Classification Scheme 2023. Collection method: clinical testing. Allele origin: germline.

PreventionGenetics, part of Exact Sciences
Classification: Likely benign for HOXA1-related condition. Last evaluated: 2022-05-09. Review status: no assertion criteria provided. Collection method: clinical testing. Allele origin: germline. Not counted in ClinVar's aggregate classification.
Comment: This variant is classified as likely benign based on ACMG/AMP sequence variant interpretation guidelines (Richards et al. 2015 PMID: 25741868, with internal and published modifications).